The following is an entry in ClinVar:

ClinVar aggregate classification (germline): Uncertain significance (1 of 4 stars; one submission).

Submission:

GeneDx
Classification: Uncertain significance. Last evaluated: 2023-03-21. Review status: criteria provided, single submitter. Criteria: GeneDx Variant Classification Process June 2021. Collection method: clinical testing. Allele origin: germline. Affected: yes.
Comment: Has not been previously published as pathogenic or benign to our knowledge; Not observed at significant frequency in large population cohorts (gnomAD); In-frame deletion of 2 amino acids and insertion of 2 amino acids in a non-repeat region; In silico analysis supports a deleterious effect on protein structure/function

NM_000093.5(COL5A1):c.71_74delinsCCCC (p.Leu24_Leu25delinsProPro)

Gene: COL5A1 (collagen type V alpha 1 chain; plus strand). Cytogenetic location: 9q34.3.
Variant type: Indel.
Coding change: c.71_74delinsCCCC on transcript NM_000093.5 (MANE Select); coding-DNA positions 71 to 74, TGCT replaced by CCCC.
Protein change: p.Leu24_Leu25delinsProPro.
Molecular consequence: missense variant.
Genome position (GRCh38, 1-based): chr9:134,642,258-134,642,261, TGCT replaced by CCCC. VCF-style: chr9-134642258-TGCT-CCCC. GRCh37 (hg19) VCF-style: chr9-137534104-TGCT-CCCC.
Other names: c.71_74delinsCCCC, p.Leu24_Leu25delinsProPro (NM_001278074.1).
Identifiers: ClinVar variation 2577577 (VCV002577577.1), dbSNP rs2491094011, ClinGen allele CA2580617444.